The following is an entry in ClinVar:

NM_020999.4(NEUROG3):c.251G>T (p.Arg84Leu)

Gene: NEUROG3 (neurogenin 3; minus strand). Cytogenetic location: 10q22.1.
Variant type: single nucleotide variant.
Coding change: c.251G>T on transcript NM_020999.4 (MANE Select); coding-DNA position 251, G replaced by T.
Protein change: p.Arg84Leu; replaces arginine 84 with leucine.
Molecular consequence: missense variant.
Genome position (GRCh38, 1-based): chr10:69,572,793, C>A on the plus strand (G>T on the coding strand, the complement: NEUROG3 is on the minus strand). VCF-style: chr10-69572793-C-A. GRCh37 (hg19) VCF-style: chr10-71332549-C-A.
Other names: short protein forms R84L.
Identifiers: ClinVar variation 1398016 (VCV001398016.6), dbSNP rs1438915848, ClinGen allele CA376922417.
Genomic context (GRCh38, chr10:69,572,793, plus strand): 5'-TCCAGTGCCGAGTTGAGGTTGTGCATTCGATTGCGCTCGCGGTCGTTGGCCTTCTTTCGC[C>A]GACTCCGTCGCTGCTTGCTCAGTGCCAACTCGCTCTTAGGCCGGCTGCGTCCCCCGCGCC-3'
Protein context (NP_066279.2, residues 74-94): ELALSKQRRS[Arg84Leu]RKKANDRERN

ClinVar aggregate classification (germline): Uncertain significance (1 of 4 stars; one submission).

Allele frequency attached by ClinVar (database versions not stated): gnomAD 0.00001; gnomAD exomes 0.00001; TOPMed 0.00001.

Submission:

Labcorp Genetics (formerly Invitae), Labcorp
Classification: Uncertain significance. Last evaluated: 2021-11-23. Review status: criteria provided, single submitter. Criteria: Invitae Variant Classification Sherloc (09022015). Collection method: clinical testing. Allele origin: germline.
Comment: In summary, the available evidence is currently insufficient to determine the role of this variant in disease. Therefore, it has been classified as a Variant of Uncertain Significance. Algorithms developed to predict the effect of missense changes on protein structure and function (SIFT, PolyPhen-2, Align-GVGD) all suggest that this variant is likely to be disruptive. This variant has not been reported in the literature in individuals affected with NEUROG3-related conditions. The frequency data for this variant in the population databases is considered unreliable, as metrics indicate poor data quality at this position in the gnomAD database. This sequence change replaces arginine, which is basic and polar, with leucine, which is neutral and non-polar, at codon 84 of the NEUROG3 protein (p.Arg84Leu).